The following is an entry in ClinVar:

ClinVar aggregate classification (germline): Benign/Likely benign. Review status: criteria provided, multiple submitters, no conflicts (2 of 4 stars). 3 submissions from 3 submitters: Benign (1); Likely benign (2). Last evaluated 2026-07-08.

Conditions:
Hereditary cancer-predisposing syndrome. Also called: Tumor predisposition; Neoplastic Syndromes, Hereditary; Hereditary Cancer Syndrome; Hereditary neoplastic syndrome. Identifiers: Orphanet 140162, MedGen C0027672, MeSH D009386, MONDO:0015356.
Rhabdoid tumor predisposition syndrome 2 (RTPS2). Identifiers: Orphanet 231108, Orphanet 69077, MedGen C2750074, MONDO:0013224, OMIM 613325.

Allele frequency attached by ClinVar (database versions not stated): gnomAD 0.00001 and below 0.00001; gnomAD exomes below 0.00001.

Submissions (3):

Myriad Genetics, Inc.
Classification: Benign for Rhabdoid tumor predisposition syndrome 2. Last evaluated: 2026-07-08. Review status: criteria provided, single submitter. Criteria: Myriad Autosomal Dominant, Autosomal Recessive and X-Linked Classification Criteria (2023). Collection method: clinical testing. Allele origin: unknown.
Comment: This variant is considered benign. This variant is a silent/synonymous amino acid change and it is not expected to impact splicing.

Labcorp Genetics (formerly Invitae), Labcorp
Classification: Likely benign for Rhabdoid tumor predisposition syndrome 2. Last evaluated: 2025-04-07. Review status: criteria provided, single submitter. Criteria: Invitae Variant Classification Sherloc (09022015). Collection method: clinical testing. Allele origin: germline.

Ambry Genetics
Classification: Likely benign for Hereditary cancer-predisposing syndrome. Last evaluated: 2017-03-24. Review status: criteria provided, single submitter. Criteria: Ambry Variant Classification Scheme 2023. Collection method: clinical testing. Allele origin: germline.

NM_003072.5(SMARCA4):c.348C>T (p.His116=)

Gene: SMARCA4 (SWI/SNF related BAF chromatin remodeling complex subunit ATPase 4; plus strand). Cytogenetic location: 19p13.2.
Variant type: single nucleotide variant.
Coding change: c.348C>T on transcript NM_003072.5 (MANE Select); coding-DNA position 348, C replaced by T.
Protein change: p.His116=; no amino-acid change (histidine 116 retained).
Molecular consequence: synonymous variant. On other transcripts: non-coding transcript variant (1).
Genome position (GRCh38, 1-based): chr19:10,985,398, C>T. VCF-style: chr19-10985398-C-T. GRCh37 (hg19) VCF-style: chr19-11096074-C-T.
Other names: c.348C>T, p.His116= (NM_001128844.3, NM_001128845.2, NM_001128846.2 and 5 more transcripts).
Identifiers: ClinVar variation 486485 (VCV000486485.15), dbSNP rs1400390629, ClinGen allele CA505488054.